The following is an entry in ClinVar:

ClinVar aggregate classification (germline): Likely benign. Review status: criteria provided, multiple submitters, no conflicts (2 of 4 stars). 2 submissions from 2 submitters: Likely benign (2). Last evaluated 2025-11-17.

Conditions:
POLD1-related polyposis and colorectal cancer syndrome (CRCS10). Also called: Colorectal cancer, susceptibility to, 10; Colorectal cancer 10; COLORECTAL CANCER, SUSCEPTIBILITY TO, ON CHROMOSOME 19q. Identifiers: Orphanet 220460, MedGen C2675481, MONDO:0012953, OMIM 612591.

Allele frequency attached by ClinVar (database versions not stated): gnomAD exomes 0.00003.

Submissions (2):

Labcorp Genetics (formerly Invitae), Labcorp
Classification: Likely benign for POLD1-related polyposis and colorectal cancer syndrome. Last evaluated: 2025-11-17. Review status: criteria provided, single submitter. Criteria: Invitae Variant Classification Sherloc (09022015). Collection method: clinical testing. Allele origin: germline.

GeneDx
Classification: Likely benign. Last evaluated: 2017-05-22. Review status: criteria provided, single submitter. Criteria: GeneDx Variant Classification (06012015). Collection method: clinical testing. Allele origin: germline. Affected: yes.
Comment: This variant is considered likely benign or benign based on one or more of the following criteria: it is a conservative change, it occurs at a poorly conserved position in the protein, it is predicted to be benign by multiple in silico algorithms, and/or has population frequency not consistent with disease.

NM_002691.4(POLD1):c.3067+17A>C

Gene: POLD1 (DNA polymerase delta 1, catalytic subunit; plus strand). Cytogenetic location: 19q13.33.
Variant type: single nucleotide variant.
Coding change: c.3067+17A>C on transcript NM_002691.4 (MANE Select); 17 bases into the intron after coding-DNA position 3067, A replaced by C.
Molecular consequence: intron variant.
Genome position (GRCh38, 1-based): chr19:50,416,740, A>C. VCF-style: chr19-50416740-A-C. GRCh37 (hg19) VCF-style: chr19-50919997-A-C.
Other names: c.3067+17A>C (LRG_785t1, NM_001256849.1); c.3145+17A>C (LRG_785t2, NM_001308632.1).
Identifiers: ClinVar variation 384595 (VCV000384595.8), dbSNP rs1011244853, ClinGen allele CA16608291.